The following is an entry in ClinVar:

NM_001039348.3(EFEMP1):c.281C>A (p.Thr94Asn)

Gene: EFEMP1 (EGF-like fibulin extracellular matrix protein 1; minus strand). Cytogenetic location: 2p16.1.
Variant type: single nucleotide variant.
Coding change: c.281C>A on transcript NM_001039348.3 (MANE Select); coding-DNA position 281, C replaced by A.
Protein change: p.Thr94Asn; replaces threonine 94 with asparagine.
Molecular consequence: missense variant.
Genome position (GRCh38, 1-based): chr2:55,917,901, G>T on the plus strand (C>A on the coding strand, the complement: EFEMP1 is on the minus strand). VCF-style: chr2-55917901-G-T. GRCh37 (hg19) VCF-style: chr2-56145036-G-T.
Other names: c.281C>A, p.Thr94Asn (NM_001039349.3); short protein forms T94N.
Identifiers: ClinVar variation 1518185 (VCV001518185.6), dbSNP rs777942411, ClinGen allele CA1668968.

ClinVar aggregate classification (germline): Uncertain significance (1 of 4 stars; one submission).

Allele frequency attached by ClinVar (database versions not stated): gnomAD 0.00001; gnomAD exomes 0.00001; ExAC 0.00002.
gnomAD v4.1: 8 of 1,614,026 alleles (0.0005%); highest among the groups gnomAD compares: Non-Finnish European, 0.00068%; no homozygotes.

Submission:

Labcorp Genetics (formerly Invitae), Labcorp
Classification: Uncertain significance. Last evaluated: 2021-11-16. Review status: criteria provided, single submitter. Criteria: Invitae Variant Classification Sherloc (09022015). Collection method: clinical testing. Allele origin: germline.
Comment: In summary, the available evidence is currently insufficient to determine the role of this variant in disease. Therefore, it has been classified as a Variant of Uncertain Significance. Algorithms developed to predict the effect of missense changes on protein structure and function (SIFT, PolyPhen-2, Align-GVGD) all suggest that this variant is likely to be tolerated. This variant has not been reported in the literature in individuals affected with EFEMP1-related conditions. This variant is present in population databases (rs777942411, gnomAD 0.003%). This sequence change replaces threonine, which is neutral and polar, with asparagine, which is neutral and polar, at codon 94 of the EFEMP1 protein (p.Thr94Asn).